The following is an entry in ClinVar:

NM_001284292.2(NUTM1):c.2463G>A (p.Ala821=)

Gene: NUTM1 (NUT midline carcinoma family member 1; plus strand). Cytogenetic location: 15q14.
Variant type: single nucleotide variant.
Coding change: c.2463G>A on transcript NM_001284292.2 (MANE Select); coding-DNA position 2463, G replaced by A.
Protein change: p.Ala821=; no amino-acid change (alanine 821 retained).
Molecular consequence: synonymous variant.
Genome position (GRCh38, 1-based): chr15:34,356,471, G>A. VCF-style: chr15-34356471-G-A. GRCh37 (hg19) VCF-style: chr15-34648672-G-A.
Other names: c.2433G>A, p.Ala811= (NM_001284293.2); c.2379G>A, p.Ala793= (NM_175741.3).
Identifiers: ClinVar variation 5038770 (VCV005038770.1).

ClinVar aggregate classification (germline): Likely benign (1 of 4 stars; one submission).

gnomAD v4.1: 321 of 1,613,102 alleles (0.02%); highest among the groups gnomAD compares: African/African-American, 0.28%; 1 homozygote.

Submission:

CeGaT Center for Human Genetics Tuebingen
Classification: Likely benign. Last evaluated: 2026-08-01. Review status: criteria provided, single submitter. Criteria: CeGaT Center For Human Genetics Tuebingen Variant Classification Criteria Version 2. Collection method: clinical testing. Allele origin: germline. Affected: yes. Observed: 1 variant allele.
Comment: NUTM1: BP4, BP7